The following is an entry in ClinVar:

ClinVar aggregate classification (germline): Uncertain significance. Review status: criteria provided, multiple submitters, no conflicts (2 of 4 stars). 2 submissions from 2 submitters: Uncertain significance (2). Last evaluated 2024-02-27.

Conditions:
Episodic ataxia type 1 (EA1). Also called: MYOKYMIA WITH PERIODIC ATAXIA; PAROXYSMAL ATAXIA WITH NEUROMYOTONIA, HEREDITARY; Episodic ataxia/myokymia syndrome; ATAXIA, EPISODIC, WITH MYOKYMIA. Identifiers: Orphanet 37612, Orphanet 972, MedGen C1719788, MONDO:0008047, OMIM 160120.

Submissions (2):

Labcorp Genetics (formerly Invitae), Labcorp
Classification: Uncertain significance for Episodic ataxia type 1. Last evaluated: 2024-02-27. Review status: criteria provided, single submitter. Criteria: Invitae Variant Classification Sherloc (09022015). Collection method: clinical testing. Allele origin: germline.
Comment: This sequence change replaces alanine, which is neutral and non-polar, with proline, which is neutral and non-polar, at codon 166 of the KCNA1 protein (p.Ala166Pro). This variant is not present in population databases (gnomAD no frequency). This variant has not been reported in the literature in individuals affected with KCNA1-related conditions. ClinVar contains an entry for this variant (Variation ID: 447611). Advanced modeling of protein sequence and biophysical properties (such as structural, functional, and spatial information, amino acid conservation, physicochemical variation, residue mobility, and thermodynamic stability) performed at Invitae indicates that this missense variant is expected to disrupt KCNA1 protein function with a positive predictive value of 80%. In summary, the available evidence is currently insufficient to determine the role of this variant in disease. Therefore, it has been classified as a Variant of Uncertain Significance.

Athena Diagnostics
Classification: Uncertain significance. Last evaluated: 2017-05-03. Review status: criteria provided, single submitter. Criteria: Athena Diagnostics Criteria. Collection method: clinical testing. Allele origin: germline.

NM_000217.3(KCNA1):c.496G>C (p.Ala166Pro)

Gene: KCNA1 (potassium voltage-gated channel subfamily A member 1; plus strand). Cytogenetic location: 12p13.32.
Variant type: single nucleotide variant.
Coding change: c.496G>C on transcript NM_000217.3 (MANE Select); coding-DNA position 496, G replaced by C.
Protein change: p.Ala166Pro; replaces alanine 166 with proline.
Molecular consequence: missense variant.
Genome position (GRCh38, 1-based): chr12:4,911,874, G>C. VCF-style: chr12-4911874-G-C. GRCh37 (hg19) VCF-style: chr12-5021040-G-C.
Other names: short protein forms A166P.
Identifiers: ClinVar variation 447611 (VCV000447611.3), dbSNP rs1179635654, ClinGen allele CA383454693.
Genomic context (GRCh38, chr12:4,911,874, plus strand): 5'-GAGAAGGAGTACCAGCGCCAGGTGTGGCTGCTCTTCGAGTACCCCGAGAGCTCGGGGCCC[G>C]CCAGGGTCATCGCCATCGTCTCCGTCATGGTCATCCTCATCTCCATCGTCATCTTTTGCC-3'
Protein context (NP_000208.2, residues 156-176): LFEYPESSGP[Ala166Pro]RVIAIVSVMV